The following is an entry in ClinVar:

ClinVar aggregate classification (germline): Uncertain significance (1 of 4 stars; one submission).

Allele frequency attached by ClinVar (database versions not stated): gnomAD exomes 0.00001.
gnomAD v4.1: 4 of 1,614,062 alleles (0.00025%); highest among the groups gnomAD compares: Non-Finnish European, 0.00034%; no homozygotes.

Submission:

Labcorp Genetics (formerly Invitae), Labcorp
Classification: Uncertain significance. Last evaluated: 2022-02-05. Review status: criteria provided, single submitter. Criteria: Invitae Variant Classification Sherloc (09022015). Collection method: clinical testing. Allele origin: germline.
Comment: This variant has not been reported in the literature in individuals affected with PTH1R-related conditions. Algorithms developed to predict the effect of missense changes on protein structure and function are either unavailable or do not agree on the potential impact of this missense change (SIFT: "Deleterious"; PolyPhen-2: "Benign"; Align-GVGD: "Class C65"). In summary, the available evidence is currently insufficient to determine the role of this variant in disease. Therefore, it has been classified as a Variant of Uncertain Significance. This variant is present in population databases (no rsID available, gnomAD 0.0009%). This sequence change replaces threonine, which is neutral and polar, with isoleucine, which is neutral and non-polar, at codon 203 of the PTH1R protein (p.Thr203Ile).

NM_000316.3(PTH1R):c.608C>T (p.Thr203Ile)

Gene: PTH1R (parathyroid hormone 1 receptor; plus strand). Cytogenetic location: 3p21.31.
Variant type: single nucleotide variant.
Coding change: c.608C>T on transcript NM_000316.3 (MANE Select); coding-DNA position 608, C replaced by T.
Protein change: p.Thr203Ile; replaces threonine 203 with isoleucine.
Molecular consequence: missense variant.
Genome position (GRCh38, 1-based): chr3:46,898,442, C>T. VCF-style: chr3-46898442-C-T. GRCh37 (hg19) VCF-style: chr3-46939932-C-T.
Other names: c.608C>T, p.Thr203Ile (NM_001184744.1); short protein forms T203I.
Identifiers: ClinVar variation 1976679 (VCV001976679.5), dbSNP rs1432994517, ClinGen allele CA352495793.